The following is an entry in ClinVar:

ClinVar aggregate classification (germline): Conflicting classifications of pathogenicity. Review status: criteria provided, conflicting classifications (1 of 4 stars). 2 submissions from 2 submitters: Uncertain significance (1); Likely benign (1). Last evaluated 2022-12-01.

Conditions:
FG syndrome (FGS). Identifiers: MedGen C0220769, MONDO:0002010.

Allele frequency attached by ClinVar (database versions not stated): TOPMed below 0.00001; ExAC 0.00003.
gnomAD v4.1: 2 of 1,208,049 alleles (0.00017%); highest among the groups gnomAD compares: Admixed American, 0.0044%; no homozygotes.

Submissions (2):

GeneDx
Classification: Uncertain significance. Last evaluated: 2022-12-01. Review status: criteria provided, single submitter. Criteria: GeneDx Variant Classification Process June 2021. Collection method: clinical testing. Allele origin: germline. Affected: yes.
Comment: Not observed at significant frequency in large population cohorts (gnomAD); In silico analysis supports that this missense variant has a deleterious effect on protein structure/function; Has not been previously published as pathogenic or benign to our knowledge

Labcorp Genetics (formerly Invitae), Labcorp
Classification: Likely benign for FG syndrome. Last evaluated: 2022-05-13. Review status: criteria provided, single submitter. Criteria: Invitae Variant Classification Sherloc (09022015). Collection method: clinical testing. Allele origin: germline.

NM_005120.3(MED12):c.1943A>C (p.Glu648Ala)

Gene: MED12 (mediator complex subunit 12; plus strand). Cytogenetic location: Xq13.1.
Variant type: single nucleotide variant.
Coding change: c.1943A>C on transcript NM_005120.3 (MANE Select); coding-DNA position 1943, A replaced by C.
Protein change: p.Glu648Ala; replaces glutamic acid 648 with alanine.
Molecular consequence: missense variant.
Genome position (GRCh38, 1-based): chrX:71,124,357, A>C. VCF-style: chrX-71124357-A-C. GRCh37 (hg19) VCF-style: chrX-70344207-A-C.
Other names: c.1943A>C (NM_005120.2); short protein forms E648A.
Identifiers: ClinVar variation 1980789 (VCV001980789.5), dbSNP rs746981338, ClinGen allele CA10444265.